The following is an entry in ClinVar:

ClinVar aggregate classification (germline): Pathogenic. Review status: criteria provided, single submitter (1 of 4 stars). 4 submissions from 4 submitters: Pathogenic (1). 3 of the submissions do not count toward it.

Conditions:
von Willebrand disease type 2 (VWD2). Also called: VWD, TYPE 2; VON WILLEBRAND DISEASE, TYPE II; VON WILLEBRAND DISEASE, TYPE 2A/IIE; VON WILLEBRAND DISEASE, TYPE 2CB. Identifiers: Orphanet 166081, Orphanet 903, MedGen C1264040, MONDO:0013304, OMIM 613554.
Von Willebrand disease type 2A. Identifiers: Orphanet 166084, MedGen C1282968, MONDO:0015628. Inheritance: Autosomal recessive or autosomal dominant.

Submissions (4):

3billion
Classification: Pathogenic for von Willebrand disease type 2. Review status: criteria provided, single submitter. Criteria: ACMG Guidelines, 2015. Collection method: clinical testing. Allele origin: unknown. Affected: yes. Observed: 1 heterozygote.
Comment: The variant is not observed in the gnomAD v2.1.1 dataset. Functional studies provide strong evidence of the variant having a damaging effect on the gene or gene product (PMID: 1419804). In silico tool predictions suggest damaging effect of the variant on gene or gene product (REVEL: 0.96; 3Cnet: 0.98). Same nucleotide change resulting in same amino acid change has been previously reported as pathogenic/likely pathogenic with strong evidence (ClinVar ID: VCV000000301 / PMID: 1419804, 20409624). Different missense changes at the same codon (p.Cys1272Gly, p.Cys1272Phe, p.Cys1272Ser, p.Cys1272Trp, p.Cys1272Tyr) have been reported to be associated with VWF related disorder (PMID: 14755371, 22102198, 22102201, 28533135, 9198195). Therefore, this variant is classified as Pathogenic according to the recommendation of ACMG/AMP guideline.

Angelo Bianchi Bonomi Hemophilia and Thrombosis Center, Fondazione IRCCS Ca Granda Ospedale Maggiore Policlinico
Classification: Pathogenic for von Willebrand disease type 2. Last evaluated: 2022-04-26. Review status: no assertion criteria provided. Collection method: clinical testing. Allele origin: germline. Affected: yes. Not counted in ClinVar's aggregate classification.

OMIM
Classification: Pathogenic for VON WILLEBRAND DISEASE, TYPE 2A. Last evaluated: 2010-05-01. Review status: no assertion criteria provided. Collection method: literature only. Allele origin: germline. Not counted in ClinVar's aggregate classification.

Academic Unit of Haematology, University of Sheffield
No classification provided. Review status: no classification provided. Collection method: not provided. Allele origin: not provided. Not counted in ClinVar's aggregate classification.

Literature cited by the submitters: PubMed 9198195 (cited by 3billion); PubMed 20409624 (cited by 3billion and OMIM); PubMed 22102198 (cited by 3billion); PubMed 1419804 (cited by 3billion and OMIM); PubMed 14755371 (cited by 3billion); PubMed 28533135 (cited by 3billion); PubMed 22102201 (cited by 3billion).

NM_000552.5(VWF):c.3814T>C (p.Cys1272Arg)

Gene: VWF (von Willebrand factor; minus strand). Cytogenetic location: 12p13.31.
Variant type: single nucleotide variant.
Coding change: c.3814T>C on transcript NM_000552.5 (MANE Select); coding-DNA position 3814, T replaced by C.
Protein change: p.Cys1272Arg; replaces cysteine 1272 with arginine.
Molecular consequence: missense variant.
Genome position (GRCh38, 1-based): chr12:6,019,604, A>G on the plus strand (T>C on the coding strand, the complement: VWF is on the minus strand). VCF-style: chr12-6019604-A-G. GRCh37 (hg19) VCF-style: chr12-6128770-A-G.
Other names: short protein forms C1272R.
Identifiers: ClinVar variation 301 (VCV000000301.3), dbSNP rs61749372, ClinGen allele CA114149.